The following is an entry in ClinVar:

ClinVar aggregate classification (germline): Benign/Likely benign. Review status: criteria provided, multiple submitters, no conflicts (2 of 4 stars). 5 submissions from 4 submitters: Benign (1); Likely benign (3). 1 of the submissions does not count toward it. Last evaluated 2026-01-28.

Conditions:
GCH1-related disorder. Also called: GCH1-related condition.
Dystonia 5 (DRD). Also called: DYSTONIA, PROGRESSIVE, WITH DIURNAL VARIATION; DYSTONIA-PARKINSONISM WITH DIURNAL FLUCTUATION; Dystonia, DOPA-responsive, with or without hyperphenylalaninemia; DYT-GCH1; GTP Cyclohydrolase 1-Deficient Dopa-Responsive Dystonia. Identifiers: Orphanet 98808, MedGen C1851920, MONDO:0007495, OMIM 128230.
GTP cyclohydrolase I deficiency. Identifiers: MedGen C0268467, MONDO:0100184.

Allele frequency attached by ClinVar (database versions not stated): TOPMed 0.00022; gnomAD 0.00023; gnomAD exomes 0.00064; ExAC 0.00165.
gnomAD v4.1: 266 of 1,499,748 alleles (0.018%); highest among the groups gnomAD compares: Admixed American, 0.034%; 1 homozygote.

Submissions (5):

Labcorp Genetics (formerly Invitae), Labcorp
Classification: Benign for GTP cyclohydrolase I deficiency; Dystonia 5. Last evaluated: 2026-01-28. Review status: criteria provided, single submitter. Criteria: Invitae Variant Classification Sherloc (09022015). Collection method: clinical testing. Allele origin: germline.

CeGaT Center for Human Genetics Tuebingen
Classification: Likely benign. Last evaluated: 2022-04-01. Review status: criteria provided, single submitter. Criteria: CeGaT Center For Human Genetics Tuebingen Variant Classification Criteria Version 2. Collection method: clinical testing. Allele origin: germline. Affected: yes. Observed: 2 variant alleles.
Comment: GCH1: BP4, BP7

Illumina Laboratory Services, Illumina
Classification: Likely benign for GTP cyclohydrolase I deficiency with hyperphenylalaninemia. Last evaluated: 2017-04-27. Review status: criteria provided, single submitter. Criteria: ICSL Variant Classification Criteria 13 December 2019. Collection method: clinical testing. Allele origin: germline.
Comment: This variant was observed as part of a predisposition screen in an ostensibly healthy population. A literature search was performed for the gene, cDNA change, and amino acid change (where applicable). No publications were found based on this search. Allele frequency data from public databases allowed determination this variant is unlikely to cause disease. Therefore, this variant is classified as likely benign.

Illumina Laboratory Services, Illumina
Classification: Likely benign for Dystonia 5. Last evaluated: 2017-04-27. Review status: criteria provided, single submitter. Criteria: ICSL Variant Classification Criteria 13 December 2019. Collection method: clinical testing. Allele origin: germline.
Comment: the same text as in the submission from Illumina Laboratory Services, Illumina above.

PreventionGenetics, part of Exact Sciences
Classification: Benign for GCH1-related condition. Last evaluated: 2024-02-17. Review status: no assertion criteria provided. Collection method: clinical testing. Allele origin: germline. Not counted in ClinVar's aggregate classification.
Comment: This variant is classified as benign based on ACMG/AMP sequence variant interpretation guidelines (Richards et al. 2015 PMID: 25741868, with internal and published modifications).

NM_000161.3(GCH1):c.69C>T (p.Pro23=)

Genes: GCH1 (GTP cyclohydrolase 1; minus strand), LOC130055692 (ATAC-STARR-seq lymphoblastoid silent region 5776; plus strand). Cytogenetic location: 14q22.2.
Variant type: single nucleotide variant.
Coding change: c.69C>T on transcript NM_000161.3 (MANE Select); coding-DNA position 69, C replaced by T.
Protein change: p.Pro23=; no amino-acid change (proline 23 retained).
Molecular consequence: synonymous variant.
Genome position (GRCh38, 1-based): chr14:54,902,595, G>A on the plus strand (C>T on the coding strand, the complement: GCH1 is on the minus strand). VCF-style: chr14-54902595-G-A. GRCh37 (hg19) VCF-style: chr14-55369313-G-A.
Other names: c.69C>T, p.Pro23= (NM_001024024.2, NM_001024070.2, NM_001024071.2).
Identifiers: ClinVar variation 313397 (VCV000313397.52), dbSNP rs767294964, ClinGen allele CA7193682.